The following is an entry in ClinVar:

ClinVar aggregate classification (germline): Uncertain significance. Review status: criteria provided, multiple submitters, no conflicts (2 of 4 stars). 2 submissions from 2 submitters: Uncertain significance (2). Last evaluated 2024-12-20.

Conditions:
Inborn genetic diseases. Identifiers: MedGen C0950123, MeSH D030342.

gnomAD v4.1: 11 of 1,609,306 alleles (0.00068%); highest among the groups gnomAD compares: Admixed American, 0.017%; no homozygotes.

Submissions (2):

Ambry Genetics
Classification: Uncertain significance for Inborn genetic diseases. Last evaluated: 2024-12-20. Review status: criteria provided, single submitter. Criteria: Ambry Variant Classification Scheme 2023. Collection method: clinical testing. Allele origin: germline.

Labcorp Genetics (formerly Invitae), Labcorp
Classification: Uncertain significance. Last evaluated: 2022-07-19. Review status: criteria provided, single submitter. Criteria: Invitae Variant Classification Sherloc (09022015). Collection method: clinical testing. Allele origin: germline.
Comment: This sequence change replaces aspartic acid, which is acidic and polar, with glutamic acid, which is acidic and polar, at codon 576 of the MCM3AP protein (p.Asp576Glu). This variant is present in population databases (rs752039396, gnomAD 0.02%). This variant has not been reported in the literature in individuals affected with MCM3AP-related conditions. ClinVar contains an entry for this variant (Variation ID: 1349169). Algorithms developed to predict the effect of missense changes on protein structure and function are either unavailable or do not agree on the potential impact of this missense change (SIFT: "Tolerated"; PolyPhen-2: "Probably Damaging"; Align-GVGD: "Class C0"). In summary, the available evidence is currently insufficient to determine the role of this variant in disease. Therefore, it has been classified as a Variant of Uncertain Significance.

NM_003906.5(MCM3AP):c.1728C>G (p.Asp576Glu)

Gene: MCM3AP (minichromosome maintenance complex component 3 associated protein; minus strand). Cytogenetic location: 21q22.3.
Variant type: single nucleotide variant.
Coding change: c.1728C>G on transcript NM_003906.5 (MANE Select); coding-DNA position 1728, C replaced by G.
Protein change: p.Asp576Glu; replaces aspartic acid 576 with glutamic acid.
Molecular consequence: missense variant.
Genome position (GRCh38, 1-based): chr21:46,277,657, G>C on the plus strand (C>G on the coding strand, the complement: MCM3AP is on the minus strand). VCF-style: chr21-46277657-G-C. GRCh37 (hg19) VCF-style: chr21-47697571-G-C.
Other names: c.1728C>G (NM_003906.3); short protein forms D576E.
Identifiers: ClinVar variation 1349169 (VCV001349169.4), dbSNP rs752039396, ClinGen allele CA10076996.